The following is an entry in ClinVar:

NM_007078.3(LDB3):c.2062C>T (p.His688Tyr)

Gene: LDB3 (LIM domain binding 3; plus strand). Cytogenetic location: 10q23.2.
Variant type: single nucleotide variant.
Coding change: c.2062C>T on transcript NM_007078.3 (MANE Select); coding-DNA position 2062, C replaced by T.
Protein change: p.His688Tyr; replaces histidine 688 with tyrosine.
Molecular consequence: missense variant.
Genome position (GRCh38, 1-based): chr10:86,726,220, C>T. VCF-style: chr10-86726220-C-T. GRCh37 (hg19) VCF-style: chr10-88485977-C-T.
Other names: c.1732C>T, p.His578Tyr (NM_001080114.2); c.2077C>T, p.His693Tyr (NM_001171610.2); c.1873C>T, p.His625Tyr (NM_001368064.1, NM_001368065.1); c.1921C>T, p.His641Tyr (NM_001368066.1); short protein forms H641Y, H688Y, H693Y, H578Y, H625Y.
Identifiers: ClinVar variation 2124104 (VCV002124104.5), dbSNP rs779751679, ClinGen allele CA5585309.

ClinVar aggregate classification (germline): Uncertain significance. Review status: criteria provided, multiple submitters, no conflicts (2 of 4 stars). 2 submissions from 2 submitters: Uncertain significance (2). Last evaluated 2026-04-14.

Conditions:
Myofibrillar myopathy 4. Also called: Zaspopathy (type). Identifiers: Orphanet 98912, MedGen C4721886, MONDO:0012277, OMIM 609452.

Allele frequency attached by ClinVar (database versions not stated): gnomAD exomes below 0.00001; ExAC 0.00001; gnomAD 0.00001.

Submissions (2):

GeneDx
Classification: Uncertain significance. Last evaluated: 2026-04-14. Review status: criteria provided, single submitter. Criteria: GeneDx Variant Classification Process June 2021. Collection method: clinical testing. Allele origin: germline.
Comment: Not observed at significant frequency in large population cohorts (gnomAD); In silico analysis suggests that this missense variant does not alter protein structure/function; Has not been previously published as pathogenic or benign to our knowledge; Reported using an alternate transcript of the gene

Labcorp Genetics (formerly Invitae), Labcorp
Classification: Uncertain significance for Myofibrillar myopathy 4. Last evaluated: 2022-04-11. Review status: criteria provided, single submitter. Criteria: Invitae Variant Classification Sherloc (09022015). Collection method: clinical testing. Allele origin: germline.
Comment: This sequence change replaces histidine, which is basic and polar, with tyrosine, which is neutral and polar, at codon 688 of the LDB3 protein (p.His688Tyr). The LDB3 gene has multiple clinically relevant transcripts. This variant occurs in alternate transcript NM_007078.3, and corresponds to NM_001080116.1:c.*26846C>T in the primary transcript. This variant is present in population databases (rs779751679, gnomAD 0.009%). This variant has not been reported in the literature in individuals affected with LDB3-related conditions. Experimental studies and prediction algorithms are not available or were not evaluated, and the functional significance of this variant is currently unknown. In summary, the available evidence is currently insufficient to determine the role of this variant in disease. Therefore, it has been classified as a Variant of Uncertain Significance.